The following is an entry in ClinVar:

NM_000535.7(PMS2):c.1560G>C (p.Ala520=)

Gene: PMS2 (PMS1 homolog 2, mismatch repair system component; minus strand). Cytogenetic location: 7p22.1.
Variant type: single nucleotide variant.
Coding change: c.1560G>C on transcript NM_000535.7 (MANE Select); coding-DNA position 1560, G replaced by C.
Protein change: p.Ala520=; no amino-acid change (alanine 520 retained).
Molecular consequence: synonymous variant. On other transcripts: non-coding transcript variant (1).
Genome position (GRCh38, 1-based): chr7:5,987,205, C>G on the plus strand (G>C on the coding strand, the complement: PMS2 is on the minus strand). VCF-style: chr7-5987205-C-G. GRCh37 (hg19) VCF-style: chr7-6026836-C-G.
Other names: c.1155G>C, p.Ala385= (NM_001322003.2, NM_001322004.2, NM_001322005.2 and 1 more transcripts); c.1404G>C, p.Ala468= (NM_001322006.2); c.1242G>C, p.Ala414= (NM_001322007.2, NM_001322008.2); c.999G>C, p.Ala333= (NM_001322010.2); c.627G>C, p.Ala209= (NM_001322011.2, NM_001322012.2); c.987G>C, p.Ala329= (NM_001322013.2); c.1560G>C, p.Ala520= (NM_001322014.2); c.1251G>C, p.Ala417= (NM_001322015.2).
Identifiers: ClinVar variation 480362 (VCV000480362.18), dbSNP rs201167814, ClinGen allele CA453747406.

ClinVar aggregate classification (germline): Benign/Likely benign. Review status: criteria provided, multiple submitters, no conflicts (2 of 4 stars). 4 submissions from 4 submitters: Benign (1); Likely benign (3). Last evaluated 2025-08-18.

Conditions:
Lynch syndrome. Identifiers: Orphanet 144, MedGen C4552100, MONDO:0005835. Disease mechanism: loss of function.
Hereditary nonpolyposis colorectal neoplasms. Identifiers: MedGen C0009405, MeSH D003123.
Hereditary cancer-predisposing syndrome. Also called: Hereditary Cancer Syndrome; Neoplastic Syndromes, Hereditary; Tumor predisposition; Hereditary neoplastic syndrome. Identifiers: Orphanet 140162, MedGen C0027672, MeSH D009386, MONDO:0015356.
Lynch syndrome 4 (LYNCH4). Also called: Colorectal cancer, hereditary nonpolyposis, type 4; Hereditary non-polyposis colorectal cancer, type 4. Identifiers: Orphanet 144, MedGen C1838333, MONDO:0013699, OMIM 614337. Disease mechanism: loss of function.

Submissions (4):

Labcorp Genetics (formerly Invitae), Labcorp
Classification: Likely benign for Hereditary nonpolyposis colorectal neoplasms. Last evaluated: 2025-08-18. Review status: criteria provided, single submitter. Criteria: Invitae Variant Classification Sherloc (09022015). Collection method: clinical testing. Allele origin: germline.

Myriad Genetics, Inc.
Classification: Benign for Lynch syndrome 4. Last evaluated: 2025-01-30. Review status: criteria provided, single submitter. Criteria: Myriad Autosomal Dominant, Autosomal Recessive and X-Linked Classification Criteria (2023). Collection method: clinical testing. Allele origin: unknown.
Comment: This variant is considered benign. This variant is a silent/synonymous amino acid change and it is not expected to impact splicing.

All of Us Research Program, National Institutes of Health
Classification: Likely benign for Lynch syndrome. Last evaluated: 2024-09-24. Review status: criteria provided, single submitter. Criteria: ACMG Guidelines, 2015. Collection method: clinical testing. Allele origin: germline. Inheritance: Autosomal dominant inheritance. Observed: 1 variant allele, 1 heterozygote.
Comment: This study involves interpretation of variants in research participants for the purpose of population health screening. Participant phenotype was not available at the time of variant classification. Additional details can be found in publication PMID: 35346344, PMCID: PMC8962531

Ambry Genetics
Classification: Likely benign for Hereditary cancer-predisposing syndrome. Last evaluated: 2016-11-17. Review status: criteria provided, single submitter. Criteria: Ambry Variant Classification Scheme 2023. Collection method: clinical testing. Allele origin: germline.